The following is an entry in ClinVar:

ClinVar aggregate classification (germline): Uncertain significance (1 of 4 stars; one submission).

Conditions:
Diffuse cerebral and cerebellar atrophy - intractable seizures - progressive microcephaly syndrome. Also called: Microcephaly, progressive, with seizures and cerebral and cerebellar atrophy. Identifiers: Orphanet 404437, MedGen C4014239, MONDO:0014335, OMIM 615760.

Submission:

Labcorp Genetics (formerly Invitae), Labcorp
Classification: Uncertain significance for Diffuse cerebral and cerebellar atrophy - intractable seizures - progressive microcephaly syndrome. Last evaluated: 2020-11-21. Review status: criteria provided, single submitter. Criteria: Invitae Variant Classification Sherloc (09022015). Collection method: clinical testing. Allele origin: germline.
Comment: In summary, the available evidence is currently insufficient to determine the role of this variant in disease. Therefore, it has been classified as a Variant of Uncertain Significance. Experimental studies and prediction algorithms are not available or were not evaluated, and the functional significance of this variant is currently unknown. This variant has not been reported in the literature in individuals with QARS-related conditions. This variant is not present in population databases (ExAC no frequency). This variant, c.252_253insAAG, results in the insertion of 1 amino acid(s) to the QARS protein (p.Glu84_Pro85insLys), but otherwise preserves the integrity of the reading frame.

NM_005051.3(QARS1):c.252_253insAAG (p.Glu84_Pro85insLys)

Gene: QARS1 (glutaminyl-tRNA synthetase 1; minus strand). Cytogenetic location: 3p21.31.
Variant type: Insertion.
Coding change: c.252_253insAAG on transcript NM_005051.3 (MANE Select); coding-DNA positions 252 to 253, AAG inserted.
Protein change: p.Glu84_Pro85insLys.
Molecular consequence: inframe insertion. On other transcripts: intron variant (1).
Genome position: GRCh38 VCF-style: chr3-49104336-G-GCTT. GRCh37 (hg19) VCF-style: chr3-49141769-G-GCTT.
Other names: c.232+20_232+21insAGA (NM_001272073.2).
Identifiers: ClinVar variation 1450228 (VCV001450228.6), dbSNP rs2042510195, ClinGen allele CA1363328372.
Genomic context (GRCh38, chr3:49,104,336, plus strand): 5'-CTGAAGGGAGGCATTGGTGCGAACTGGCAGGACAGGTAGGGGTCTCACCGCTTAGCTGGG[G>GCTT]CTCAGTGTGGATCTTCTTACTGGCTATGTAGCTTACAAGGAAGGAGAGACGCCGGGTATC-3'